The following is an entry in ClinVar:

ClinVar aggregate classification (germline): Uncertain significance (1 of 4 stars; one submission).

Conditions:
Hereditary cancer-predisposing syndrome. Also called: Neoplastic Syndromes, Hereditary; Tumor predisposition; Hereditary Cancer Syndrome; Hereditary neoplastic syndrome. Identifiers: Orphanet 140162, MedGen C0027672, MeSH D009386, MONDO:0015356.

Submission:

Ambry Genetics
Classification: Uncertain significance for Hereditary cancer-predisposing syndrome. Last evaluated: 2026-03-12. Review status: criteria provided, single submitter. Criteria: Ambry Variant Classification Scheme 2023. Collection method: clinical testing. Allele origin: germline.
Comment: The p.P164L variant (also known as c.491C>T), located in coding exon 3 of the KIT gene, results from a C to T substitution at nucleotide position 491. The proline at codon 164 is replaced by leucine, an amino acid with similar properties. This amino acid position is conserved. In addition, this alteration is predicted to be tolerated by in silico analysis. Based on the available evidence, the clinical significance of this variant remains unclear.

NM_000222.3(KIT):c.491C>T (p.Pro164Leu)

Gene: KIT (KIT proto-oncogene, receptor tyrosine kinase; plus strand). Cytogenetic location: 4q12.
Variant type: single nucleotide variant.
Coding change: c.491C>T on transcript NM_000222.3 (MANE Select); coding-DNA position 491, C replaced by T.
Protein change: p.Pro164Leu; replaces proline 164 with leucine.
Molecular consequence: missense variant.
Genome position (GRCh38, 1-based): chr4:54,698,437, C>T. VCF-style: chr4-54698437-C-T. GRCh37 (hg19) VCF-style: chr4-55564603-C-T.
Other names: c.491C>T, p.Pro164Leu (NM_001093772.2, NM_001385284.1, NM_001385285.1 and 4 more transcripts); short protein forms P164L.
Identifiers: ClinVar variation 4827654 (VCV004827654.1).